The following is an entry in ClinVar:

ClinVar aggregate classification (germline): Uncertain significance (1 of 4 stars; one submission).

Conditions:
Vitamin B2 deficiency. Identifiers: MedGen C0035528.

Submission:

Labcorp Genetics (formerly Invitae), Labcorp
Classification: Uncertain significance for Vitamin B2 deficiency. Last evaluated: 2024-10-28. Review status: criteria provided, single submitter. Criteria: Invitae Variant Classification Sherloc (09022015). Collection method: clinical testing. Allele origin: germline.
Comment: This sequence change replaces asparagine, which is neutral and polar, with threonine, which is neutral and polar, at codon 129 of the SLC52A1 protein (p.Asn129Thr). This variant is not present in population databases (gnomAD no frequency). This variant has not been reported in the literature in individuals affected with SLC52A1-related conditions. Invitae Evidence Modeling of protein sequence and biophysical properties (such as structural, functional, and spatial information, amino acid conservation, physicochemical variation, residue mobility, and thermodynamic stability) indicates that this missense variant is not expected to disrupt SLC52A1 protein function with a negative predictive value of 80%. In summary, the available evidence is currently insufficient to determine the role of this variant in disease. Therefore, it has been classified as a Variant of Uncertain Significance.

NM_017986.4(SLC52A1):c.386A>C (p.Asn129Thr)

Gene: SLC52A1 (solute carrier family 52 member 1; minus strand). Cytogenetic location: 17p13.2.
Variant type: single nucleotide variant.
Coding change: c.386A>C on transcript NM_017986.4 (MANE Select); coding-DNA position 386, A replaced by C.
Protein change: p.Asn129Thr; replaces asparagine 129 with threonine.
Molecular consequence: missense variant.
Genome position (GRCh38, 1-based): chr17:5,034,103, T>G on the plus strand (A>C on the coding strand, the complement: SLC52A1 is on the minus strand). VCF-style: chr17-5034103-T-G. GRCh37 (hg19) VCF-style: chr17-4937398-T-G.
Other names: c.386A>C, p.Asn129Thr (NM_001104577.2); short protein forms N129T.
Identifiers: ClinVar variation 3612424 (VCV003612424.2).
Genomic context (GRCh38, chr17:5,034,103, plus strand): 5'-AGGAAGAAAGACCGTAAGAAAGGAGGTGGCAGGTGGCTCAGGAAGGGCAGGAAAGTGACA[T>G]TAGAGGTACAACAGGCCATTGCCAACACCAAGGCCAGAGTTAGGAAGGCCACAGAGTGGA-3'
Protein context (NP_060456.3, residues 119-139): LVLAMACCTS[Asn129Thr]VTFLPFLSHL